The following is an entry in ClinVar:

ClinVar aggregate classification (germline): Uncertain significance (1 of 4 stars; one submission).

Submission:

GeneDx
Classification: Uncertain significance. Last evaluated: 2023-01-27. Review status: criteria provided, single submitter. Criteria: GeneDx Variant Classification Process June 2021. Collection method: clinical testing. Allele origin: germline. Affected: yes.
Comment: Not observed at significant frequency in large population cohorts (gnomAD); In silico analysis supports that this missense variant has a deleterious effect on protein structure/function; Has not been previously published as pathogenic or benign to our knowledge

NM_001173464.2(KIF21A):c.1961T>A (p.Ile654Asn)

Gene: KIF21A (kinesin family member 21A; minus strand). Cytogenetic location: 12q12.
Variant type: single nucleotide variant.
Coding change: c.1961T>A on transcript NM_001173464.2 (MANE Select); coding-DNA position 1961, T replaced by A.
Protein change: p.Ile654Asn; replaces isoleucine 654 with asparagine.
Molecular consequence: missense variant.
Genome position (GRCh38, 1-based): chr12:39,341,055, A>T on the plus strand (T>A on the coding strand, the complement: KIF21A is on the minus strand). VCF-style: chr12-39341055-A-T. GRCh37 (hg19) VCF-style: chr12-39734857-A-T.
Other names: c.1922T>A, p.Ile641Asn (NM_001173463.2, NM_001173465.2, NM_001378441.1 and 1 more transcripts); c.1961T>A, p.Ile654Asn (NM_001378439.1, NM_001378440.1); short protein forms I641N, I654N.
Identifiers: ClinVar variation 2574467 (VCV002574467.1), dbSNP rs2500612461, ClinGen allele CA384401628.